The following is an entry in ClinVar:

ClinVar aggregate classification (germline): Uncertain significance (1 of 4 stars; one submission).

Submission:

GeneDx
Classification: Uncertain significance. Last evaluated: 2023-03-09. Review status: criteria provided, single submitter. Criteria: GeneDx Variant Classification Process June 2021. Collection method: clinical testing. Allele origin: germline. Affected: yes.
Comment: Not observed at significant frequency in large population cohorts (gnomAD); In silico analysis supports that this missense variant does not alter protein structure/function; Has not been previously published as pathogenic or benign to our knowledge

NM_000222.3(KIT):c.803A>G (p.Asn268Ser)

Gene: KIT (KIT proto-oncogene, receptor tyrosine kinase; plus strand). Cytogenetic location: 4q12.
Variant type: single nucleotide variant.
Coding change: c.803A>G on transcript NM_000222.3 (MANE Select); coding-DNA position 803, A replaced by G.
Protein change: p.Asn268Ser; replaces asparagine 268 with serine.
Molecular consequence: missense variant.
Genome position (GRCh38, 1-based): chr4:54,703,770, A>G. VCF-style: chr4-54703770-A-G. GRCh37 (hg19) VCF-style: chr4-55569936-A-G.
Other names: c.803A>G, p.Asn268Ser (NM_001093772.2, NM_001385285.1, NM_001385286.1); c.806A>G, p.Asn269Ser (NM_001385284.1, NM_001385288.1, NM_001385290.1 and 1 more transcripts); short protein forms N268S, N269S.
Identifiers: ClinVar variation 2579329 (VCV002579329.1), dbSNP rs2475469303, ClinGen allele CA356899510.